The following is an entry in ClinVar:

NM_006939.4(SOS2):c.674G>A (p.Arg225Gln)

Gene: SOS2 (SOS Ras/Rho guanine nucleotide exchange factor 2; minus strand). Cytogenetic location: 14q21.3.
Variant type: single nucleotide variant.
Coding change: c.674G>A on transcript NM_006939.4 (MANE Select); coding-DNA position 674, G replaced by A.
Protein change: p.Arg225Gln; replaces arginine 225 with glutamine.
Molecular consequence: missense variant.
Genome position (GRCh38, 1-based): chr14:50,188,537, C>T on the plus strand (G>A on the coding strand, the complement: SOS2 is on the minus strand). VCF-style: chr14-50188537-C-T. GRCh37 (hg19) VCF-style: chr14-50655255-C-T.
Other names: NM_006939.4(SOS2):c.674G>A; p.Arg225Gln; short protein forms R225Q.
Identifiers: ClinVar variation 373121 (VCV000373121.38), dbSNP rs780580623, ClinGen allele CA7177479.

ClinVar aggregate classification (germline): Uncertain significance. Review status: reviewed by expert panel (3 of 4 stars). 7 submissions from 7 submitters: Uncertain significance (1). 6 of the submissions do not count toward it. Last evaluated 2024-09-17.

Conditions:
Cardiovascular phenotype. Identifiers: MedGen CN230736.
Noonan syndrome 9 (NS9). Identifiers: Orphanet 648, MedGen C4225282, MONDO:0014691, OMIM 616559.
RASopathy. Also called: rasopathies; Noonan spectrum disorder. Identifiers: Orphanet 536391, MedGen C5555857, MONDO:0021060.

Allele frequency attached by ClinVar (database versions not stated): ExAC 0.00002; gnomAD exomes 0.00003; gnomAD 0.00006; TOPMed 0.00008.
gnomAD v4.1: 180 of 1,600,092 alleles (0.011%); highest among the groups gnomAD compares: Non-Finnish European, 0.014%; no homozygotes.

Submissions (7):

ClinGen RASopathy Variant Curation Expert Panel
Classification: Uncertain significance for RASopathy. Last evaluated: 2024-09-17. Review status: reviewed by expert panel. Criteria: ClinGen RASopathy ACMG Specifications SOS2 V2.1.0. Collection method: curation. Allele origin: germline. Inheritance: Autosomal dominant inheritance.
Comment: The c.674G>A (NM_006939.4(SOS2):c.674G>A (p.Arg225Gln)) variant in RIT1 is a missense variant predicted to cause substitution of arginine by glutamine at amino acid 225. No ACMG/AMP evidence codes are met. In summary, this variant meets the criteria to be classified as uncertain significance for autosomal dominant RASopathy (Version 2.1; 09/17/2024).

Labcorp Genetics (formerly Invitae), Labcorp
Classification: Likely benign for Noonan syndrome 9. Last evaluated: 2026-01-26. Review status: criteria provided, single submitter. Criteria: Invitae Variant Classification Sherloc (09022015). Collection method: clinical testing. Allele origin: germline. Not counted in ClinVar's aggregate classification.

Ambry Genetics
Classification: Uncertain significance for Cardiovascular phenotype. Last evaluated: 2025-03-25. Review status: criteria provided, single submitter. Criteria: Ambry Variant Classification Scheme 2023. Collection method: clinical testing. Allele origin: germline. Not counted in ClinVar's aggregate classification.
Comment: The p.R225Q variant (also known as c.674G>A), located in coding exon 5 of the SOS2 gene, results from a G to A substitution at nucleotide position 674. The arginine at codon 225 is replaced by glutamine, an amino acid with highly similar properties. This amino acid position is conserved. In addition, this alteration is predicted to be deleterious by in silico analysis. Since supporting evidence is limited at this time, the clinical significance of this alteration remains unclear.

CeGaT Center for Human Genetics Tuebingen
Classification: Likely benign. Last evaluated: 2024-01-01. Review status: criteria provided, single submitter. Criteria: CeGaT Center For Human Genetics Tuebingen Variant Classification Criteria Version 2. Collection method: clinical testing. Allele origin: germline. Affected: yes. Observed: 2 variant alleles. Not counted in ClinVar's aggregate classification.
Comment: SOS2: BP4

Revvity Omics, Revvity
Classification: Uncertain significance for Noonan syndrome 9. Last evaluated: 2019-08-29. Review status: criteria provided, single submitter. Criteria: ACMG Guidelines, 2015. Collection method: clinical testing. Allele origin: germline. Not counted in ClinVar's aggregate classification.

GeneDx
Classification: Uncertain significance. Last evaluated: 2016-11-10. Review status: criteria provided, single submitter. Criteria: GeneDx Variant Classification (06012015). Collection method: clinical testing. Allele origin: germline. Affected: yes. Not counted in ClinVar's aggregate classification.
Comment: The R225Q variant has not been published as a pathogenic variant, nor has it been reported as a benign variant to our knowledge. The variant was not observed in approximately 6,500 individuals of European and African American ancestry in the NHLBI Exome Sequencing Project, indicating it is not a common benign variant in these populations. R225Q is a semi-conservative amino acid substitution, which may impact secondary protein structure as these residues differ in some properties. This substitution occurs at a position that is conserved across species, and in silico analysis predicts this variant is probably damaging to the protein structure/function. Therefore, based on the currently available information, it is unclear whether this variant is a pathogenic variant or a rare benign variant.

Genome-Nilou Lab
Classification: Uncertain significance for Noonan syndrome 9. Review status: criteria provided, single submitter. Criteria: ACMG Guidelines, 2015. Collection method: clinical testing. Allele origin: germline. Not counted in ClinVar's aggregate classification.